The following is an entry in ClinVar:

ClinVar aggregate classification (germline): Uncertain significance (1 of 4 stars; one submission).

gnomAD v4.1: 12 of 1,613,852 alleles (0.00074%); highest among the groups gnomAD compares: Admixed American, 0.0017%; no homozygotes.

Submission:

Labcorp Genetics (formerly Invitae), Labcorp
Classification: Uncertain significance. Last evaluated: 2026-01-15. Review status: criteria provided, single submitter. Criteria: Invitae Variant Classification Sherloc (09022015). Collection method: clinical testing. Allele origin: germline.
Comment: This sequence change replaces aspartic acid, which is acidic and polar, with histidine, which is basic and polar, at codon 775 of the FRAS1 protein (p.Asp775His). This variant is present in population databases (rs770402087, gnomAD 0.003%). This variant has not been reported in the literature in individuals affected with FRAS1-related conditions. ClinVar contains an entry for this variant (Variation ID: 3709314). An algorithm developed to predict the effect of missense changes on protein structure and function (PolyPhen-2) suggests that this variant is likely to be disruptive. In summary, the available evidence is currently insufficient to determine the role of this variant in disease. Therefore, it has been classified as a Variant of Uncertain Significance.

NM_025074.7(FRAS1):c.2323G>C (p.Asp775His)

Gene: FRAS1 (Fraser extracellular matrix complex subunit 1; plus strand). Cytogenetic location: 4q21.21.
Variant type: single nucleotide variant.
Coding change: c.2323G>C on transcript NM_025074.7 (MANE Select); coding-DNA position 2323, G replaced by C.
Protein change: p.Asp775His; replaces aspartic acid 775 with histidine.
Molecular consequence: missense variant.
Genome position (GRCh38, 1-based): chr4:78,337,718, G>C. VCF-style: chr4-78337718-G-C. GRCh37 (hg19) VCF-style: chr4-79258872-G-C.
Other names: c.2323G>C, p.Asp775His (NM_001166133.2); short protein forms D775H.
Identifiers: ClinVar variation 3709314 (VCV003709314.2).